The following is an entry in ClinVar:

NM_004176.5(SREBF1):c.1958A>C (p.Gln653Pro)

Gene: SREBF1 (sterol regulatory element binding transcription factor 1; minus strand). Cytogenetic location: 17p11.2.
Variant type: single nucleotide variant.
Coding change: c.1958A>C on transcript NM_004176.5 (MANE Select); coding-DNA position 1958, A replaced by C.
Protein change: p.Gln653Pro; replaces glutamine 653 with proline.
Molecular consequence: missense variant. On other transcripts: non-coding transcript variant (4).
Genome position (GRCh38, 1-based): chr17:17,816,546, T>G on the plus strand (A>C on the coding strand, the complement: SREBF1 is on the minus strand). VCF-style: chr17-17816546-T-G. GRCh37 (hg19) VCF-style: chr17-17719860-T-G.
Other names: c.2048A>C, p.Gln683Pro (NM_001005291.3); c.1886A>C, p.Gln629Pro (NM_001321096.3); c.1958A>C, p.Gln653Pro (NM_001388385.1, NM_001388386.1); c.1997A>C, p.Gln666Pro (NM_001388387.1); c.1913A>C, p.Gln638Pro (NM_001388388.1); c.1952A>C, p.Gln651Pro (NM_001388389.1); c.1940A>C, p.Gln647Pro (NM_001388390.1); c.1931A>C, p.Gln644Pro (NM_001388391.1); and 3 more; short protein forms Q509P, Q526P, Q579P, Q629P, Q638P, Q644P, Q647P, Q651P.
Identifiers: ClinVar variation 3388481 (VCV003388481.14).
Genomic context (GRCh38, chr17:17,816,546, plus strand): 5'-TAGACCAGGGCTGCGTCTCGGGCGCTGGCGCTAGCATCCACTCGCAGAGCACAGTCCTGC[T>G]GCAGGCCCCCTGCCCGGCCTGCCAGCCAGCGGCCCACCCAGAGACGCTGCAGCAGGTGAC-3'
Protein context (NP_004167.3, residues 643-663): RWLAGRAGGL[Gln653Pro]QDCALRVDAS

ClinVar aggregate classification (germline): Uncertain significance (1 of 4 stars; one submission).

gnomAD v4.1: 3 of 1,603,046 alleles (0.00019%); highest among the groups gnomAD compares: Non-Finnish European, 0.00026%; no homozygotes.

Submission:

CeGaT Center for Human Genetics Tuebingen
Classification: Uncertain significance. Last evaluated: 2024-11-01. Review status: criteria provided, single submitter. Criteria: CeGaT Center For Human Genetics Tuebingen Variant Classification Criteria Version 2. Collection method: clinical testing. Allele origin: germline. Affected: yes. Observed: 1 variant allele.
Comment: SREBF1: PM2:Supporting, BP4